The following is an entry in ClinVar:

NM_004281.4(BAG3):c.1353C>A (p.Tyr451Ter)

Gene: BAG3 (BAG cochaperone 3; plus strand). Cytogenetic location: 10q26.11.
Variant type: single nucleotide variant.
Coding change: c.1353C>A on transcript NM_004281.4 (MANE Select); coding-DNA position 1353, C replaced by A.
Protein change: p.Tyr451Ter; replaces tyrosine 451 with a stop codon.
Molecular consequence: nonsense.
Genome position (GRCh38, 1-based): chr10:119,676,907, C>A. VCF-style: chr10-119676907-C-A. GRCh37 (hg19) VCF-style: chr10-121436419-C-A.
Other names: short protein forms Y451*.
Identifiers: ClinVar variation 1323968 (VCV001323968.11), dbSNP rs2134069248, ClinGen allele CA378297139.

ClinVar aggregate classification (germline): Pathogenic/Likely pathogenic. Review status: criteria provided, multiple submitters, no conflicts (2 of 4 stars). 2 submissions from 2 submitters: Pathogenic (1); Likely pathogenic (1). Last evaluated 2024-10-04.

Conditions:
Myofibrillar myopathy 6. Identifiers: Orphanet 199340, MedGen C2751831, MONDO:0013061, OMIM 612954.
Dilated cardiomyopathy 1HH (CMD1HH). Identifiers: Orphanet 154, MedGen C3151293, MONDO:0013479, OMIM 613881.

Submissions (2):

Victorian Clinical Genetics Services, Murdoch Childrens Research Institute
Classification: Likely pathogenic for Dilated cardiomyopathy 1HH. Last evaluated: 2024-10-04. Review status: criteria provided, single submitter. Criteria: ACMG Guidelines, 2015. Collection method: clinical testing. Allele origin: germline. Affected: yes.
Comment: This variant is classified as Likely pathogenic. Evidence in support of pathogenic classification: Variant is predicted to result in a truncated protein (premature termination codon is NOT located at least 54 nucleotides upstream of the final exon-exon junction) with less than 1/3 of the protein sequence affected; Variant is absent from gnomAD (v2, v3 and v4); This variant has moderate previous evidence of pathogenicity in unrelated individuals. This variant has been classified as pathogenic by a clinical laboratory in ClinVar. This variant has also been observed in multiple unrelated individuals with dilated cardiomyopathy, as well as some unaffected carriers (PMID: 25008357, 38641168, 30442290, 34135346); Other protein truncating variants comparable to the one identified in this case have strong previous evidence for pathogenicity. Downstream variants in the BAG domain are classified as pathogenic or likely pathogenic (DECIPHER, PMID: 28436997), while downstream variants outside of the BAG domain are classified as VUS (DECIPHER). Additional information: This variant is heterozygous; This gene is associated with autosomal dominant disease; Variant truncates the annotated BAG domain (DECIPHER); Loss of function and gain of function are known mechanisms of disease in this gene and are associated with dilated cardiomyopathy, 1HH (DCM; MIM#613881) and myofibrillar myopathy, 6 (MIM#612954). Missense variants with a gain of function effect have been reported in individuals with myopathy, whereas missense variants with a loss of function effect and variants resulting in a premature termination codon have been reported in individuals with DCM (OMIM, PMID: 30442290); The condition associated with this gene has incomplete penetrance (PMID: 30442290, 33989081) - Inheritance information for this variant is not currently available in this individual.

Labcorp Genetics (formerly Invitae), Labcorp
Classification: Pathogenic for Dilated cardiomyopathy 1HH; Myofibrillar myopathy 6. Last evaluated: 2021-04-04. Review status: criteria provided, single submitter. Criteria: Invitae Variant Classification Sherloc (09022015). Collection method: clinical testing. Allele origin: germline.
Comment: For these reasons, this variant has been classified as Pathogenic. This variant results in an extension of the BAG3 protein. Other variant(s) that result in a similarly extended protein product (p.Glu471Argfs*95) have been determined to be pathogenic (Invitae). This suggests that these extensions are likely to be causative of disease. Algorithms developed to predict the effect of sequence changes on RNA splicing suggest that this variant may create or strengthen a splice site, but this prediction has not been confirmed by published transcriptional studies. This variant has been observed in individual(s) with dilated cardiomyopathy (PMID: 25008357). This variant is not present in population databases (ExAC no frequency). This sequence change creates a premature translational stop signal (p.Tyr451*) in the BAG3 gene. While this is not anticipated to result in nonsense mediated decay, it is expected to disrupt the last 125 amino acid(s) of the BAG3 protein.

Literature cited by the submitters: PubMed 34135346 (cited by Victorian Clinical Genetics Services, Murdoch Childrens Research Institute); PubMed 25008357 (cited by Victorian Clinical Genetics Services, Murdoch Childrens Research Institute and Labcorp Genetics (formerly Invitae), Labcorp); PubMed 33989081 (cited by Victorian Clinical Genetics Services, Murdoch Childrens Research Institute); PubMed 28436997 (cited by Victorian Clinical Genetics Services, Murdoch Childrens Research Institute); PubMed 30442290 (cited by Victorian Clinical Genetics Services, Murdoch Childrens Research Institute); PubMed 38641168 (cited by Victorian Clinical Genetics Services, Murdoch Childrens Research Institute).